The following is an entry in ClinVar:

ClinVar aggregate classification (germline): Uncertain significance (1 of 4 stars; one submission).

Conditions:
Gnathodiaphyseal dysplasia (GDD). Also called: GNATHODIAPHYSEAL SCLEROSIS; OSTEOGENESIS IMPERFECTA WITH UNUSUAL SKELETAL LESIONS. Identifiers: Orphanet 53697, MedGen C1833736, MONDO:0008151, OMIM 166260.
Autosomal recessive limb-girdle muscular dystrophy type 2L (LGMDR12). Also called: Limb-girdle muscular dystrophy, type 2L; MUSCULAR DYSTROPHY, LIMB-GIRDLE, AUTOSOMAL RECESSIVE 12; Limb-Girdle Muscular Dystrophy R12 Anoctamin-5-Related (LGMD-R12). Identifiers: Orphanet 206549, MedGen C1969785, MONDO:0012652, OMIM 611307.

Allele frequency attached by ClinVar (database versions not stated): gnomAD exomes below 0.00001.
gnomAD v4.1: 1 of 1,613,972 alleles (0.000062%); highest among the groups gnomAD compares: Non-Finnish European, 0.000085%; no homozygotes.

Submission:

Labcorp Genetics (formerly Invitae), Labcorp
Classification: Uncertain significance for Autosomal recessive limb-girdle muscular dystrophy type 2L; Gnathodiaphyseal dysplasia. Last evaluated: 2023-08-19. Review status: criteria provided, single submitter. Criteria: Invitae Variant Classification Sherloc (09022015). Collection method: clinical testing. Allele origin: germline.
Comment: In summary, the available evidence is currently insufficient to determine the role of this variant in disease. Therefore, it has been classified as a Variant of Uncertain Significance. Advanced modeling of protein sequence and biophysical properties (such as structural, functional, and spatial information, amino acid conservation, physicochemical variation, residue mobility, and thermodynamic stability) has been performed at Invitae for this missense variant, however the output from this modeling did not meet the statistical confidence thresholds required to predict the impact of this variant on ANO5 protein function. This variant has not been reported in the literature in individuals affected with ANO5-related conditions. This variant is not present in population databases (gnomAD no frequency). This sequence change replaces phenylalanine, which is neutral and non-polar, with serine, which is neutral and polar, at codon 532 of the ANO5 protein (p.Phe532Ser).

NM_213599.3(ANO5):c.1595T>C (p.Phe532Ser)

Gene: ANO5 (anoctamin 5; plus strand). Cytogenetic location: 11p14.3.
Variant type: single nucleotide variant.
Coding change: c.1595T>C on transcript NM_213599.3 (MANE Select); coding-DNA position 1595, T replaced by C.
Protein change: p.Phe532Ser; replaces phenylalanine 532 with serine.
Molecular consequence: missense variant.
Genome position (GRCh38, 1-based): chr11:22,259,706, T>C. VCF-style: chr11-22259706-T-C. GRCh37 (hg19) VCF-style: chr11-22281252-T-C.
Other names: c.1592T>C, p.Phe531Ser (NM_001142649.2); c.1553T>C, p.Phe518Ser (NM_001410963.1); c.1550T>C, p.Phe517Ser (NM_001410964.1); short protein forms F517S, F532S, F518S, F531S.
Identifiers: ClinVar variation 2937256 (VCV002937256.3), dbSNP rs2494307232, ClinGen allele CA379922371.
Genomic context (GRCh38, chr11:22,259,706, plus strand): 5'-TAACCACATCACTCACAGGATCATGCTTGAACTTTATTGTCATCTTGATCTTGAATTTCT[T>C]TTATGAAAAGATATCTGCCTGGATCACAAAAATGGGTAAGCTGGCCAAATCATTTGTGTG-3'
Protein context (NP_998764.1, residues 522-542): NFIVILILNF[Phe532Ser]YEKISAWITK